The following is an entry in ClinVar:

ClinVar aggregate classification (germline): Uncertain significance (1 of 4 stars; one submission).

gnomAD v4.1: 10 of 1,564,792 alleles (0.00064%); highest among the groups gnomAD compares: Middle Eastern, 0.017%; no homozygotes.

Submission:

Labcorp Genetics (formerly Invitae), Labcorp
Classification: Uncertain significance. Last evaluated: 2025-05-24. Review status: criteria provided, single submitter. Criteria: Invitae Variant Classification Sherloc (09022015). Collection method: clinical testing. Allele origin: germline.
Comment: This sequence change replaces arginine, which is basic and polar, with glutamine, which is neutral and polar, at codon 976 of the ITGAM protein (p.Arg976Gln). The frequency data for this variant in the population databases is considered unreliable, as metrics indicate poor data quality at this position in the gnomAD database. This variant has not been reported in the literature in individuals affected with ITGAM-related conditions. An algorithm developed to predict the effect of missense changes on protein structure and function outputs the following: PolyPhen-2: "Benign". The glutamine amino acid residue is found in multiple mammalian species, which suggests that this missense change does not adversely affect protein function. In summary, the available evidence is currently insufficient to determine the role of this variant in disease. Therefore, it has been classified as a Variant of Uncertain Significance.

NM_000632.4(ITGAM):c.2927G>A (p.Arg976Gln)

Gene: ITGAM (integrin subunit alpha M; plus strand). Cytogenetic location: 16p11.2.
Variant type: single nucleotide variant.
Coding change: c.2927G>A on transcript NM_000632.4 (MANE Select); coding-DNA position 2927, G replaced by A.
Protein change: p.Arg976Gln; replaces arginine 976 with glutamine.
Molecular consequence: missense variant.
Genome position (GRCh38, 1-based): chr16:31,329,856, G>A. VCF-style: chr16-31329856-G-A. GRCh37 (hg19) VCF-style: chr16-31341177-G-A.
Other names: c.2930G>A, p.Arg977Gln (NM_001145808.2); short protein forms R977Q, R976Q.
Identifiers: ClinVar variation 4755154 (VCV004755154.1).